The following is an entry in ClinVar:

NM_000113.3(TOR1A):c.787A>C (p.Ile263Leu)

Gene: TOR1A (torsin family 1 member A; minus strand). Cytogenetic location: 9q34.11.
Variant type: single nucleotide variant.
Coding change: c.787A>C on transcript NM_000113.3 (MANE Select); coding-DNA position 787, A replaced by C.
Protein change: p.Ile263Leu; replaces isoleucine 263 with leucine.
Molecular consequence: missense variant.
Genome position (GRCh38, 1-based): chr9:129,814,184, T>G on the plus strand (A>C on the coding strand, the complement: TOR1A is on the minus strand). VCF-style: chr9-129814184-T-G. GRCh37 (hg19) VCF-style: chr9-132576463-T-G.
Other names: short protein forms I263L.
Identifiers: ClinVar variation 2845707 (VCV002845707.3), dbSNP rs1400969632, ClinGen allele CA375197973.

ClinVar aggregate classification (germline): Uncertain significance (1 of 4 stars; one submission).

Conditions:
Dystonic disorder. Also called: Dystonia. Identifiers: MedGen C0013421, MONDO:0003441, HP:0001332.

gnomAD v4.1: 3 of 1,614,098 alleles (0.00019%); highest among the groups gnomAD compares: Non-Finnish European, 0.00025%; no homozygotes.

Submission:

Labcorp Genetics (formerly Invitae), Labcorp
Classification: Uncertain significance for Dystonic disorder. Last evaluated: 2024-08-31. Review status: criteria provided, single submitter. Criteria: Invitae Variant Classification Sherloc (09022015). Collection method: clinical testing. Allele origin: germline.
Comment: This sequence change replaces isoleucine, which is neutral and non-polar, with leucine, which is neutral and non-polar, at codon 263 of the TOR1A protein (p.Ile263Leu). This variant is present in population databases (no rsID available, gnomAD 0.0009%). This variant has not been reported in the literature in individuals affected with TOR1A-related conditions. Invitae Evidence Modeling of protein sequence and biophysical properties (such as structural, functional, and spatial information, amino acid conservation, physicochemical variation, residue mobility, and thermodynamic stability) indicates that this missense variant is not expected to disrupt TOR1A protein function with a negative predictive value of 80%. In summary, the available evidence is currently insufficient to determine the role of this variant in disease. Therefore, it has been classified as a Variant of Uncertain Significance.